The following is an entry in ClinVar:

NM_053013.4(ENO3):c.1123G>A (p.Glu375Lys)

Gene: ENO3 (enolase 3; plus strand). Cytogenetic location: 17p13.2.
Variant type: single nucleotide variant.
Coding change: c.1123G>A on transcript NM_053013.4 (MANE Select); coding-DNA position 1123, G replaced by A.
Protein change: p.Glu375Lys; replaces glutamic acid 375 with lysine.
Molecular consequence: missense variant.
Genome position (GRCh38, 1-based): chr17:4,956,628, G>A. VCF-style: chr17-4956628-G-A. GRCh37 (hg19) VCF-style: chr17-4859923-G-A.
Other names: c.994G>A, p.Glu332Lys (NM_001193503.2); c.1123G>A, p.Glu375Lys (NM_001976.5); short protein forms E375K, E332K.
Identifiers: ClinVar variation 568832 (VCV000568832.11), dbSNP rs770822790, ClinGen allele CA8316559.

ClinVar aggregate classification (germline): Uncertain significance (1 of 4 stars; one submission).

Conditions:
Glycogen storage disease due to muscle beta-enolase deficiency (GSD13). Also called: ENOLASE 3 DEFICIENCY; ENOLASE-BETA DEFICIENCY; GSD XIII; Glycogen Storage Disease Type XIII. Identifiers: Orphanet 99849, MedGen C2752027, MONDO:0013046, OMIM 612932.

Allele frequency attached by ClinVar (database versions not stated): ExAC 0.00001; TOPMed 0.00002.
gnomAD v4.1: 6 of 1,614,196 alleles (0.00037%); highest among the groups gnomAD compares: East Asian, 0.011%; no homozygotes.

Submission:

Labcorp Genetics (formerly Invitae), Labcorp
Classification: Uncertain significance for Glycogen storage disease due to muscle beta-enolase deficiency. Last evaluated: 2025-01-06. Review status: criteria provided, single submitter. Criteria: Invitae Variant Classification Sherloc (09022015). Collection method: clinical testing. Allele origin: germline.
Comment: This sequence change replaces glutamic acid, which is acidic and polar, with lysine, which is basic and polar, at codon 375 of the ENO3 protein (p.Glu375Lys). This variant is present in population databases (rs770822790, gnomAD 0.03%). This missense change has been observed in individual(s) with neurodevelopmental disorder (PMID: 33004838). This variant is also known as c.1150G>A. ClinVar contains an entry for this variant (Variation ID: 568832). Invitae Evidence Modeling of protein sequence and biophysical properties (such as structural, functional, and spatial information, amino acid conservation, physicochemical variation, residue mobility, and thermodynamic stability) indicates that this missense variant is expected to disrupt ENO3 protein function with a positive predictive value of 80%. In summary, the available evidence is currently insufficient to determine the role of this variant in disease. Therefore, it has been classified as a Variant of Uncertain Significance.

Literature cited by the submitters: PubMed 33004838.